The following is an entry in ClinVar:

ClinVar aggregate classification (germline): Uncertain significance (1 of 4 stars; one submission).

Allele frequency attached by ClinVar (database versions not stated): TOPMed 0.00002.

Submission:

Labcorp Genetics (formerly Invitae), Labcorp
Classification: Uncertain significance. Last evaluated: 2023-07-31. Review status: criteria provided, single submitter. Criteria: Invitae Variant Classification Sherloc (09022015). Collection method: clinical testing. Allele origin: germline.
Comment: This sequence change replaces isoleucine, which is neutral and non-polar, with threonine, which is neutral and polar, at codon 1003 of the MYH7B protein (p.Ile1003Thr). This variant is present in population databases (rs745535104, gnomAD 0.009%). This variant has not been reported in the literature in individuals affected with MYH7B-related conditions. Advanced modeling of protein sequence and biophysical properties (such as structural, functional, and spatial information, amino acid conservation, physicochemical variation, residue mobility, and thermodynamic stability) performed at Invitae indicates that this missense variant is expected to disrupt MYH7B protein function. In summary, the available evidence is currently insufficient to determine the role of this variant in disease. Therefore, it has been classified as a Variant of Uncertain Significance.

NM_020884.7(MYH7B):c.2882T>C (p.Ile961Thr)

Gene: MYH7B (myosin heavy chain 7B; plus strand). Cytogenetic location: 20q11.22.
Variant type: single nucleotide variant.
Coding change: c.2882T>C on transcript NM_020884.7 (MANE Select); coding-DNA position 2882, T replaced by C.
Protein change: p.Ile961Thr; replaces isoleucine 961 with threonine.
Molecular consequence: missense variant.
Genome position (GRCh38, 1-based): chr20:34,995,517, T>C. VCF-style: chr20-34995517-T-C. GRCh37 (hg19) VCF-style: chr20-33583320-T-C.
Other names: short protein forms I961T.
Identifiers: ClinVar variation 2956544 (VCV002956544.3), dbSNP rs745535104, ClinGen allele CA9827526.
Genomic context (GRCh38, chr20:34,995,517, plus strand): 5'-CTGACCTGGCCGCCCGCCGGCGCAAGCTGGAGGACGAGTGCACGGAGCTCAAGAAGGACA[T>C]TGATGACCTGGAGCTGACACTGGCCAAAGCTGAGAAGGAGAAGCAAGCCACTGAGAACAA-3'
Protein context (NP_065935.4, residues 951-971): EDECTELKKD[Ile961Thr]DDLELTLAKA